The following is an entry in ClinVar:

NM_001385641.1(SAMD11):c.1040G>A (p.Arg347Gln)

Gene: SAMD11 (sterile alpha motif domain containing 11; plus strand). Cytogenetic location: 1p36.33.
Variant type: single nucleotide variant.
Coding change: c.1040G>A on transcript NM_001385641.1 (MANE Select); coding-DNA position 1040, G replaced by A.
Protein change: p.Arg347Gln; replaces arginine 347 with glutamine.
Molecular consequence: missense variant.
Genome position (GRCh38, 1-based): chr1:939,112, G>A. VCF-style: chr1-939112-G-A. GRCh37 (hg19) VCF-style: chr1-874492-G-A.
Other names: c.1040G>A, p.Arg347Gln (NM_001385640.1); c.503G>A, p.Arg168Gln (NM_152486.4); c.503G>A (NM_152486.2); short protein forms R168Q, R347Q.
Identifiers: ClinVar variation 1045276 (VCV001045276.8), dbSNP rs751035336, ClinGen allele CA502650.

ClinVar aggregate classification (germline): Uncertain significance. Review status: criteria provided, multiple submitters, no conflicts (2 of 4 stars). 3 submissions from 3 submitters: Uncertain significance (3). Last evaluated 2024-11-19.

Allele frequency attached by ClinVar (database versions not stated): TOPMed 0.00004.
gnomAD v4.1: 203 of 1,597,302 alleles (0.013%); highest among the groups gnomAD compares: Non-Finnish European, 0.017%; no homozygotes.

Submissions (3):

Blueprint Genetics
Classification: Uncertain significance. Last evaluated: 2024-11-19. Review status: criteria provided, single submitter. Criteria: ACMG Guidelines, 2015. Collection method: clinical testing. Allele origin: germline.

Ambry Genetics
Classification: Uncertain significance. Last evaluated: 2023-12-27. Review status: criteria provided, single submitter. Criteria: Ambry Variant Classification Scheme 2023. Collection method: clinical testing. Allele origin: germline.

Labcorp Genetics (formerly Invitae), Labcorp
Classification: Uncertain significance. Last evaluated: 2023-10-13. Review status: criteria provided, single submitter. Criteria: Invitae Variant Classification Sherloc (09022015). Collection method: clinical testing. Allele origin: germline.
Comment: This sequence change replaces arginine, which is basic and polar, with glutamine, which is neutral and polar, at codon 168 of the SAMD11 protein (p.Arg168Gln). The frequency data for this variant in the population databases is considered unreliable, as metrics indicate poor data quality at this position in the gnomAD database. This variant has not been reported in the literature in individuals affected with SAMD11-related conditions. ClinVar contains an entry for this variant (Variation ID: 1045276). An algorithm developed to predict the effect of missense changes on protein structure and function (PolyPhen-2) suggests that this variant is likely to be disruptive. In summary, the available evidence is currently insufficient to determine the role of this variant in disease. Therefore, it has been classified as a Variant of Uncertain Significance.